The following is an entry in ClinVar:

ClinVar aggregate classification (germline): Conflicting classifications of pathogenicity. Review status: criteria provided, conflicting classifications (1 of 4 stars). 2 submissions from 2 submitters: Pathogenic (1); Uncertain significance (1). Last evaluated 2024-03-03.

Conditions:
Developmental and epileptic encephalopathy, 80. Also called: EPILEPTIC ENCEPHALOPATHY, EARLY INFANTILE, 80; GLYCOSYLPHOSPHATIDYLINOSITOL BIOSYNTHESIS DEFECT 20. Identifiers: MedGen C5231418, MONDO:0032822, OMIM 618580.

Allele frequency attached by ClinVar (database versions not stated): gnomAD 0.00001; gnomAD exomes 0.00002.
gnomAD v4.1: 23 of 1,609,794 alleles (0.0014%); highest among the groups gnomAD compares: African/African-American, 0.0027%; no homozygotes.

Submissions (2):

Labcorp Genetics (formerly Invitae), Labcorp
Classification: Pathogenic. Last evaluated: 2024-03-03. Review status: criteria provided, single submitter. Criteria: Invitae Variant Classification Sherloc (09022015). Collection method: clinical testing. Allele origin: germline.
Comment: This sequence change creates a premature translational stop signal (p.Arg532*) in the PIGB gene. While this is not anticipated to result in nonsense mediated decay, it is expected to disrupt the last 23 amino acid(s) of the PIGB protein. This variant is present in population databases (rs367927367, gnomAD 0.007%). This variant has not been reported in the literature in individuals affected with PIGB-related conditions. ClinVar contains an entry for this variant (Variation ID: 2434836). Algorithms developed to predict the effect of sequence changes on RNA splicing suggest that this variant may disrupt the consensus splice site. This variant disrupts a region of the PIGB protein in which other variant(s) ( p.Ile537Met) have been determined to be pathogenic (PMID: 31256876). This suggests that this is a clinically significant region of the protein, and that variants that disrupt it are likely to be disease-causing. For these reasons, this variant has been classified as Pathogenic.

Revvity Omics, Revvity
Classification: Uncertain significance for Developmental and epileptic encephalopathy, 80. Last evaluated: 2020-06-28. Review status: criteria provided, single submitter. Criteria: ACMG Guidelines, 2015. Collection method: clinical testing. Allele origin: germline.

Literature cited by the submitters: PubMed 31256876 (cited by Labcorp Genetics (formerly Invitae), Labcorp).

NM_004855.5(PIGB):c.1594C>T (p.Arg532Ter)

Genes: CCPG1 (cell cycle progression 1; minus strand), DNAAF4-CCPG1 (DNAAF4-CCPG1 readthrough (NMD candidate); minus strand), PIGB (phosphatidylinositol glycan anchor biosynthesis class B; plus strand). Cytogenetic location: 15q21.3.
Variant type: single nucleotide variant.
Coding change: c.1594C>T on transcript NM_004855.5 (MANE Select); coding-DNA position 1594, C replaced by T.
Protein change: p.Arg532Ter; replaces arginine 532 with a stop codon.
Molecular consequence: nonsense. On other transcripts: non-coding transcript variant (1), 3 prime UTR variant (4).
Genome position (GRCh38, 1-based): chr15:55,355,361, C>T. VCF-style: chr15-55355361-C-T. GRCh37 (hg19) VCF-style: chr15-55647559-C-T.
Other names: c.*859G>A (NM_001204450.2, NM_001204451.2); c.*4138G>A (NM_004748.6, NM_020739.5); short protein forms R532*.
Identifiers: ClinVar variation 2434836 (VCV002434836.5), dbSNP rs367927367, ClinGen allele CA7574129.
Genomic context (GRCh38, chr15:55,355,361, plus strand): 5'-CTAATTTCAAGCAATTATAAAAGAACTGCTGTTTTCTTCCACACTCACTTGCCAGAGGGT[C>T]GAATTGGAAGTCACATATATGTCTATGAACGGAAGTTAAAAGGGAAATTCAACATGAAGA-3'